The following is an entry in ClinVar:

NM_001365999.1(SZT2):c.7075G>A (p.Val2359Met)

Gene: SZT2 (SZT2 subunit of KICSTOR complex; plus strand). Cytogenetic location: 1p34.2.
Variant type: single nucleotide variant.
Coding change: c.7075G>A on transcript NM_001365999.1 (MANE Select); coding-DNA position 7075, G replaced by A.
Protein change: p.Val2359Met; replaces valine 2359 with methionine.
Molecular consequence: missense variant.
Genome position (GRCh38, 1-based): chr1:43,439,913, G>A. VCF-style: chr1-43439913-G-A. GRCh37 (hg19) VCF-style: chr1-43905584-G-A.
Other names: c.6904G>A (NM_015284.3); c.6904G>A, p.Val2302Met (NM_015284.4); short protein forms V2302M, V2359M.
Identifiers: ClinVar variation 2002374 (VCV002002374.5), dbSNP rs1451357887, ClinGen allele CA340033222.
Genomic context (GRCh38, chr1:43,439,913, plus strand): 5'-CCCTCAAGTGTCCCTGTTCTCCTTCCAGCTCAGAATGGGGCCCCACGGCTTCGATTGGAT[G>A]TGTGGGAAAAGGGGAACATTAGTATTGTGCAGCTGGAGGAGAAACTCCGAGGAGCAGCTC-3'
Protein context (NP_001352928.1, residues 2349-2369): QNGAPRLRLD[Val2359Met]WEKGNISIVQ

ClinVar aggregate classification (germline): Uncertain significance. Review status: criteria provided, multiple submitters, no conflicts (2 of 4 stars). 2 submissions from 2 submitters: Uncertain significance (2). Last evaluated 2025-03-28.

Conditions:
Inborn genetic diseases. Identifiers: MedGen C0950123, MeSH D030342.

Allele frequency attached by ClinVar (database versions not stated): gnomAD exomes below 0.00001; gnomAD 0.00001.

Submissions (2):

Ambry Genetics
Classification: Uncertain significance for Inborn genetic diseases. Last evaluated: 2025-03-28. Review status: criteria provided, single submitter. Criteria: Ambry Variant Classification Scheme 2023. Collection method: clinical testing. Allele origin: germline.

Labcorp Genetics (formerly Invitae), Labcorp
Classification: Uncertain significance. Last evaluated: 2024-08-05. Review status: criteria provided, single submitter. Criteria: Invitae Variant Classification Sherloc (09022015). Collection method: clinical testing. Allele origin: germline.
Comment: This sequence change replaces valine, which is neutral and non-polar, with methionine, which is neutral and non-polar, at codon 2302 of the SZT2 protein (p.Val2302Met). This variant is present in population databases (no rsID available, gnomAD 0.003%). This variant has not been reported in the literature in individuals affected with SZT2-related conditions. ClinVar contains an entry for this variant (Variation ID: 2002374). Advanced modeling of protein sequence and biophysical properties (such as structural, functional, and spatial information, amino acid conservation, physicochemical variation, residue mobility, and thermodynamic stability) performed at Invitae indicates that this missense variant is not expected to disrupt SZT2 protein function with a negative predictive value of 80%. In summary, the available evidence is currently insufficient to determine the role of this variant in disease. Therefore, it has been classified as a Variant of Uncertain Significance.